The following is an entry in ClinVar:

ClinVar aggregate classification (germline): Uncertain significance. Review status: criteria provided, multiple submitters, no conflicts (2 of 4 stars). 2 submissions from 2 submitters: Uncertain significance (2). Last evaluated 2022-08-23.

Conditions:
Inborn genetic diseases. Identifiers: MedGen C0950123, MeSH D030342.

Allele frequency attached by ClinVar (database versions not stated): gnomAD exomes below 0.00001; gnomAD 0.00001.
gnomAD v4.1: 2 of 1,609,748 alleles (0.00012%); highest among the groups gnomAD compares: African/African-American, 0.0027%; no homozygotes.

Submissions (2):

Labcorp Genetics (formerly Invitae), Labcorp
Classification: Uncertain significance. Last evaluated: 2022-08-23. Review status: criteria provided, single submitter. Criteria: Invitae Variant Classification Sherloc (09022015). Collection method: clinical testing. Allele origin: germline.
Comment: Algorithms developed to predict the effect of missense changes on protein structure and function are either unavailable or do not agree on the potential impact of this missense change (SIFT: "Deleterious"; PolyPhen-2: "Benign"; Align-GVGD: "Class C0"). In summary, the available evidence is currently insufficient to determine the role of this variant in disease. Therefore, it has been classified as a Variant of Uncertain Significance. ClinVar contains an entry for this variant (Variation ID: 1470349). This variant has not been reported in the literature in individuals affected with PRDM13-related conditions. This variant is not present in population databases (gnomAD no frequency). This sequence change replaces proline, which is neutral and non-polar, with serine, which is neutral and polar, at codon 456 of the PRDM13 protein (p.Pro456Ser).

Ambry Genetics
Classification: Uncertain significance for Inborn genetic diseases. Last evaluated: 2021-12-20. Review status: criteria provided, single submitter. Criteria: Ambry Variant Classification Scheme 2023. Collection method: clinical testing. Allele origin: germline.

NM_021620.4(PRDM13):c.1366C>T (p.Pro456Ser)

Gene: PRDM13 (PR/SET domain 13; plus strand). Cytogenetic location: 6q16.2.
Variant type: single nucleotide variant.
Coding change: c.1366C>T on transcript NM_021620.4 (MANE Select); coding-DNA position 1366, C replaced by T.
Protein change: p.Pro456Ser; replaces proline 456 with serine.
Molecular consequence: missense variant.
Genome position (GRCh38, 1-based): chr6:99,614,001, C>T. VCF-style: chr6-99614001-C-T. GRCh37 (hg19) VCF-style: chr6-100061877-C-T.
Other names: c.1366C>T (NM_021620.3); short protein forms P456S.
Identifiers: ClinVar variation 1470349 (VCV001470349.7), dbSNP rs1770085617, ClinGen allele CA365118359.
Genomic context (GRCh38, chr6:99,614,001, plus strand): 5'-CTGCCGCCCCTCGACCCGGGCGGTCTCAAAGCCTATCCGGGTGGTGAGTGCAGCCACCTG[C>T]CCGCCGTCATGCCGGCCTTTACAGTCTACAACGGGGAGCTGCTCTACGGCTCACCGGCCA-3'
Protein context (NP_067633.2, residues 446-466): AYPGGECSHL[Pro456Ser]AVMPAFTVYN